The following is an entry in ClinVar:

NM_182914.3(SYNE2):c.1388T>G (p.Leu463Trp)

Gene: SYNE2 (spectrin repeat containing nuclear envelope protein 2; plus strand). Cytogenetic location: 14q23.2.
Variant type: single nucleotide variant.
Coding change: c.1388T>G on transcript NM_182914.3 (MANE Select); coding-DNA position 1388, T replaced by G.
Protein change: p.Leu463Trp; replaces leucine 463 with tryptophan.
Molecular consequence: missense variant.
Genome position (GRCh38, 1-based): chr14:63,977,999, T>G. VCF-style: chr14-63977999-T-G. GRCh37 (hg19) VCF-style: chr14-64444717-T-G.
Other names: c.1388T>G, p.Leu463Trp (NM_015180.6); c.1388T>G (NM_182914.2); short protein forms L463W.
Identifiers: ClinVar variation 2195383 (VCV002195383.8), dbSNP rs1165841766, ClinGen allele CA389955906.

ClinVar aggregate classification (germline): Uncertain significance. Review status: criteria provided, multiple submitters, no conflicts (2 of 4 stars). 3 submissions from 3 submitters: Uncertain significance (3). Last evaluated 2023-11-18.

Conditions:
Emery-Dreifuss muscular dystrophy 5, autosomal dominant (EDMD5). Also called: EMERY-DREIFUSS MUSCULAR DYSTROPHY 5. Identifiers: Orphanet 261, MedGen C2751805, MONDO:0013072, OMIM 612999.

gnomAD v4.1: 2 of 1,611,224 alleles (0.00012%); highest among the groups gnomAD compares: East Asian, 0.0022%; no homozygotes.

Submissions (3):

Ambry Genetics
Classification: Uncertain significance. Last evaluated: 2023-11-18. Review status: criteria provided, single submitter. Criteria: Ambry Variant Classification Scheme 2023. Collection method: clinical testing. Allele origin: germline.

Labcorp Genetics (formerly Invitae), Labcorp
Classification: Uncertain significance for Emery-Dreifuss muscular dystrophy 5, autosomal dominant. Last evaluated: 2022-09-20. Review status: criteria provided, single submitter. Criteria: Invitae Variant Classification Sherloc (09022015). Collection method: clinical testing. Allele origin: germline.
Comment: In summary, the available evidence is currently insufficient to determine the role of this variant in disease. Therefore, it has been classified as a Variant of Uncertain Significance. Algorithms developed to predict the effect of missense changes on protein structure and function are either unavailable or do not agree on the potential impact of this missense change (SIFT: "Deleterious"; PolyPhen-2: "Probably Damaging"; Align-GVGD: "Class C0"). This variant has not been reported in the literature in individuals affected with SYNE2-related conditions. This variant is not present in population databases (gnomAD no frequency). This sequence change replaces leucine, which is neutral and non-polar, with tryptophan, which is neutral and slightly polar, at codon 463 of the SYNE2 protein (p.Leu463Trp).

Revvity Omics, Revvity
Classification: Uncertain significance for Emery-Dreifuss muscular dystrophy 5, autosomal dominant. Last evaluated: 2019-07-01. Review status: criteria provided, single submitter. Criteria: ACMG Guidelines, 2015. Collection method: clinical testing. Allele origin: germline.